The following is an entry in ClinVar:

NM_002972.4(SBF1):c.5463C>T (p.Tyr1821=)

Gene: SBF1 (SET binding factor 1; minus strand). Cytogenetic location: 22q13.33.
Variant type: single nucleotide variant.
Coding change: c.5463C>T on transcript NM_002972.4 (MANE Select); coding-DNA position 5463, C replaced by T.
Protein change: p.Tyr1821=; no amino-acid change (tyrosine 1821 retained).
Molecular consequence: synonymous variant.
Genome position (GRCh38, 1-based): chr22:50,447,442, G>A on the plus strand (C>T on the coding strand, the complement: SBF1 is on the minus strand). VCF-style: chr22-50447442-G-A. GRCh37 (hg19) VCF-style: chr22-50885871-G-A.
Other names: p.Tyr1821=; c.5388C>T, p.Tyr1796= (NM_001365819.1).
Identifiers: ClinVar variation 710907 (VCV000710907.51), dbSNP rs144773853, ClinGen allele CA10315822.

ClinVar aggregate classification (germline): Benign/Likely benign. Review status: criteria provided, multiple submitters, no conflicts (2 of 4 stars). 8 submissions from 8 submitters: Benign (2); Likely benign (4). 2 of the submissions do not count toward it. Last evaluated 2026-02-03.

Conditions:
Charcot-Marie-Tooth disease type 4B3. Also called: Charcot-Marie-Tooth Neuropathy Type 4B3; CHARCOT-MARIE-TOOTH DISEASE, DEMYELINATING, TYPE 4B3. Identifiers: Orphanet 363981, MedGen C3695063, MONDO:0014117, OMIM 615284.

Allele frequency attached by ClinVar (database versions not stated): gnomAD 0.00131 and 0.00153; TOPMed 0.00134; ESP Exome Variant Server 0.00154; gnomAD exomes 0.00184; ExAC 0.00195; 1000 Genomes Project 30x 0.00203; 1000 Genomes Project 0.00220.
gnomAD v4.1: 2,921 of 1,613,272 alleles (0.18%); highest among the groups gnomAD compares: Middle Eastern, 0.54%; 13 homozygotes.

Submissions (8):

Labcorp Genetics (formerly Invitae), Labcorp
Classification: Benign. Last evaluated: 2026-02-03. Review status: criteria provided, single submitter. Criteria: Invitae Variant Classification Sherloc (09022015). Collection method: clinical testing. Allele origin: germline.

CeGaT Center for Human Genetics Tuebingen
Classification: Likely benign. Last evaluated: 2025-07-01. Review status: criteria provided, single submitter. Criteria: CeGaT Center For Human Genetics Tuebingen Variant Classification Criteria Version 2. Collection method: clinical testing. Allele origin: germline. Affected: yes. Observed: 10 variant alleles.
Comment: SBF1: BP4, BP7, BS2

Blueprint Genetics
Classification: Likely benign. Last evaluated: 2024-11-13. Review status: criteria provided, single submitter. Criteria: ACMG Guidelines, 2015. Collection method: clinical testing. Allele origin: germline.

Mayo Clinic Laboratories, Mayo Clinic
Classification: Benign. Last evaluated: 2024-08-13. Review status: criteria provided, single submitter. Criteria: ACMG Guidelines, 2015. Collection method: clinical testing. Allele origin: germline. Observed: 7 variant alleles.
Comment: BS1, BS2, BP4, BP7

ARUP Laboratories, Molecular Genetics and Genomics, ARUP Laboratories
Classification: Likely benign for Charcot-Marie-Tooth disease type 4B3. Last evaluated: 2023-10-03. Review status: criteria provided, single submitter. Criteria: ARUP Molecular Germline Variant Investigation Process 2024. Collection method: clinical testing. Allele origin: germline.

GeneDx
Classification: Likely benign. Last evaluated: 2020-12-07. Review status: criteria provided, single submitter. Criteria: GeneDx Variant Classification Process June 2021. Collection method: clinical testing. Allele origin: germline. Affected: yes.

Clinical Genetics DNA and cytogenetics Diagnostics Lab, Erasmus MC, Erasmus Medical Center
Classification: Likely benign. Review status: no assertion criteria provided. Collection method: clinical testing. Allele origin: germline. Affected: yes. Study: VKGL Data-share Consensus. Not counted in ClinVar's aggregate classification.

Clinical Genetics, Academic Medical Center
Classification: Benign. Review status: no assertion criteria provided. Collection method: clinical testing. Allele origin: germline. Affected: yes. Study: VKGL Data-share Consensus. Not counted in ClinVar's aggregate classification.